The following is an entry in ClinVar:

ClinVar aggregate classification (germline): Uncertain significance. Review status: criteria provided, multiple submitters, no conflicts (2 of 4 stars). 2 submissions from 2 submitters: Uncertain significance (2). Last evaluated 2025-10-14.

Conditions:
Hereditary cancer-predisposing syndrome. Also called: Neoplastic Syndromes, Hereditary; Hereditary neoplastic syndrome; Tumor predisposition; Hereditary Cancer Syndrome. Identifiers: Orphanet 140162, MedGen C0027672, MeSH D009386, MONDO:0015356.
Familial cancer of breast. Also called: hereditary breast carcinoma; BREAST CANCER, FAMILIAL; Hereditary breast cancer. Identifiers: Orphanet 227535, MedGen C0346153, MONDO:0016419, OMIM 114480. Disease mechanism: loss of function.

Submissions (2):

Ambry Genetics
Classification: Uncertain significance for Hereditary cancer-predisposing syndrome. Last evaluated: 2025-10-14. Review status: criteria provided, single submitter. Criteria: Ambry Variant Classification Scheme 2023. Collection method: clinical testing. Allele origin: germline.
Comment: The p.N3168Y variant (also known as c.9502A>T) is located in coding exon 25 of the BRCA2 gene. The asparagine at codon 3168 is replaced by tyrosine, an amino acid with dissimilar properties. This change occurs in the first base pair of coding exon 25. Two saturation genome editing-based studies, including a haploid cell-survival assay and a humanized mouse embryonic stem cell line assay of drug response and survival, demonstrate that this nucleotide substitution may be non-functional; however, additional evidence is needed to confirm these findings (Huang H et al. Nature. 2025 Feb;638(8050):528-537; Sahu S et al. Nature. 2025 Feb;638(8050):538-545). This amino acid position is well conserved in available vertebrate species. In addition, the in silico prediction for this alteration is inconclusive. Based on the available evidence, the clinical significance of this variant remains unclear.

Baylor Genetics
Classification: Uncertain significance for Familial cancer of breast. Last evaluated: 2023-09-13. Review status: criteria provided, single submitter. Criteria: ACMG Guidelines, 2015. Collection method: clinical testing. Allele origin: unknown.

NM_000059.4(BRCA2):c.9502A>T (p.Asn3168Tyr)

Gene: BRCA2 (BRCA2 DNA repair associated; plus strand). Cytogenetic location: 13q13.1.
Variant type: single nucleotide variant.
Coding change: c.9502A>T on transcript NM_000059.4 (MANE Select); coding-DNA position 9502, A replaced by T.
Protein change: p.Asn3168Tyr; replaces asparagine 3168 with tyrosine.
Molecular consequence: missense variant. On other transcripts: non-coding transcript variant (1).
Genome position (GRCh38, 1-based): chr13:32,396,898, A>T. VCF-style: chr13-32396898-A-T. GRCh37 (hg19) VCF-style: chr13-32971035-A-T.
Other names: c.9406A>T, p.Asn3136Tyr (NM_001406719.1); c.9451A>T, p.Asn3151Tyr (NM_001406720.1); c.4570A>T, p.Asn1524Tyr (NM_001406721.1); c.3085A>T, p.Asn1029Tyr (NM_001406722.1); short protein forms N1029Y, N1524Y, N3136Y, N3151Y, N3168Y.
Identifiers: ClinVar variation 2680250 (VCV002680250.2), dbSNP rs1319143597, ClinGen allele CA387762825.